The following is an entry in ClinVar:

NM_014053.4(FLVCR1):c.*1920T>A

Gene: FLVCR1 (FLVCR choline and heme transporter 1; plus strand). Cytogenetic location: 1q32.3.
Variant type: single nucleotide variant.
Coding change: c.*1920T>A on transcript NM_014053.4 (MANE Select); 1920 bases downstream of the stop codon, T replaced by A.
Molecular consequence: 3 prime UTR variant.
Genome position (GRCh38, 1-based): chr1:212,897,210, T>A. VCF-style: chr1-212897210-T-A. GRCh37 (hg19) VCF-style: chr1-213070552-T-A.
Identifiers: ClinVar variation 875862 (VCV000875862.4), dbSNP rs115914498, ClinGen allele CA36901817.

ClinVar aggregate classification (germline): Benign (1 of 4 stars; one submission).

Conditions:
Posterior column ataxia-retinitis pigmentosa syndrome (RETSNS). Also called: RETINOPATHY-SENSORY NEUROPATHY SYNDROME. Identifiers: Orphanet 88628, MedGen C1836916, MONDO:0012177, OMIM 609033.

Allele frequency attached by ClinVar (database versions not stated): gnomAD 0.00051 and 0.00052; 1000 Genomes Project 0.02496.

Submission:

Illumina Laboratory Services, Illumina
Classification: Benign for Posterior column ataxia-retinitis pigmentosa syndrome. Last evaluated: 2018-01-13. Review status: criteria provided, single submitter. Criteria: ICSL Variant Classification Criteria 13 December 2019. Collection method: clinical testing. Allele origin: germline.
Comment: This variant was observed in the ICSL laboratory as part of a predisposition screen in an ostensibly healthy population. It had not been previously curated by ICSL or reported in the Human Gene Mutation Database (HGMD: prior to June 1st, 2018), and was therefore a candidate for classification through an automated scoring system. Utilizing variant allele frequency, disease prevalence and penetrance estimates, and inheritance mode, an automated score was calculated to assess if this variant is too frequent to cause the disease. Based on the score and internal cut-off values, a variant classified as benign is not then subjected to further curation. The score for this variant resulted in a classification of benign for this disease.